The following is an entry in ClinVar:

ClinVar aggregate classification (germline): Uncertain significance. Review status: criteria provided, multiple submitters, no conflicts (2 of 4 stars). 2 submissions from 2 submitters: Uncertain significance (2). Last evaluated 2025-06-07.

Allele frequency attached by ClinVar (database versions not stated): gnomAD 0.00001; ExAC 0.00002; TOPMed 0.00002; ESP Exome Variant Server 0.00008.
gnomAD v4.1: 6 of 1,606,594 alleles (0.00037%); highest among the groups gnomAD compares: Non-Finnish European, 0.00051%; no homozygotes.

Submissions (2):

Ambry Genetics
Classification: Uncertain significance. Last evaluated: 2025-06-07. Review status: criteria provided, single submitter. Criteria: Ambry Variant Classification Scheme 2023. Collection method: clinical testing. Allele origin: germline.
Comment: The p.F445L variant (also known as c.1333T>C), located in coding exon 9 of the RINT1 gene, results from a T to C substitution at nucleotide position 1333. The phenylalanine at codon 445 is replaced by leucine , an amino acid with highly similar properties. This amino acid position is well conserved in available vertebrate species. In addition, this alteration is predicted to be tolerated by in silico analysis. Since supporting evidence is limited at this time, the clinical significance of this alteration remains unclear.

Labcorp Genetics (formerly Invitae), Labcorp
Classification: Uncertain significance. Last evaluated: 2022-06-14. Review status: criteria provided, single submitter. Criteria: Invitae Variant Classification Sherloc (09022015). Collection method: clinical testing. Allele origin: germline.
Comment: In summary, the available evidence is currently insufficient to determine the role of this variant in disease. Therefore, it has been classified as a Variant of Uncertain Significance. Algorithms developed to predict the effect of missense changes on protein structure and function (SIFT, PolyPhen-2, Align-GVGD) all suggest that this variant is likely to be tolerated. This variant has not been reported in the literature in individuals affected with RINT1-related conditions. This variant is present in population databases (rs372327744, gnomAD 0.002%). This sequence change replaces phenylalanine, which is neutral and non-polar, with leucine, which is neutral and non-polar, at codon 445 of the RINT1 protein (p.Phe445Leu).

NM_021930.6(RINT1):c.1333T>C (p.Phe445Leu)

Gene: RINT1 (RAD50 interactor 1; plus strand). Cytogenetic location: 7q22.3.
Variant type: single nucleotide variant.
Coding change: c.1333T>C on transcript NM_021930.6 (MANE Select); coding-DNA position 1333, T replaced by C.
Protein change: p.Phe445Leu; replaces phenylalanine 445 with leucine.
Molecular consequence: missense variant. On other transcripts: non-coding transcript variant (1).
Genome position (GRCh38, 1-based): chr7:105,550,486, T>C. VCF-style: chr7-105550486-T-C. GRCh37 (hg19) VCF-style: chr7-105190933-T-C.
Other names: c.1099T>C, p.Phe367Leu (NM_001346599.2); c.310T>C, p.Phe104Leu (NM_001346600.2, NM_001346603.2); c.409T>C, p.Phe137Leu (NM_001346601.2); short protein forms F104L, F367L, F445L, F137L.
Identifiers: ClinVar variation 1770203 (VCV001770203.9), dbSNP rs372327744, ClinGen allele CA4426644.